The following is an entry in ClinVar:

ClinVar aggregate classification (germline): Uncertain significance. Review status: criteria provided, multiple submitters, no conflicts (2 of 4 stars). 2 submissions from 2 submitters: Uncertain significance (2). Last evaluated 2023-05-30.

Conditions:
Shprintzen-Goldberg syndrome (SGS). Also called: SHPRINTZEN-GOLDBERG CRANIOSYNOSTOSIS SYNDROME; CRANIOSYNOSTOSIS WITH ARACHNODACTYLY AND ABDOMINAL HERNIAS; Marfanoid disorder with craniosynostosis type 1; Marfanoid craniosynostosis syndrome; Shprintzen-Goldberg marfanoid syndrome. Identifiers: Orphanet 2462, MedGen C1321551, MONDO:0008426, OMIM 182212.

Allele frequency attached by ClinVar (database versions not stated): TOPMed below 0.00001; gnomAD 0.00001.
gnomAD v4.1: 1 of 1,612,452 alleles (0.000062%); highest among the groups gnomAD compares: Non-Finnish European, 0.000085%; no homozygotes.

Submissions (2):

Labcorp Genetics (formerly Invitae), Labcorp
Classification: Uncertain significance for Shprintzen-Goldberg syndrome. Last evaluated: 2023-05-30. Review status: criteria provided, single submitter. Criteria: Invitae Variant Classification Sherloc (09022015). Collection method: clinical testing. Allele origin: germline.
Comment: In summary, the available evidence is currently insufficient to determine the role of this variant in disease. Therefore, it has been classified as a Variant of Uncertain Significance. Advanced modeling of protein sequence and biophysical properties (such as structural, functional, and spatial information, amino acid conservation, physicochemical variation, residue mobility, and thermodynamic stability) performed at Invitae indicates that this missense variant is not expected to disrupt SKI protein function. ClinVar contains an entry for this variant (Variation ID: 373583). This variant has not been reported in the literature in individuals affected with SKI-related conditions. This variant is not present in population databases (gnomAD no frequency). This sequence change replaces proline, which is neutral and non-polar, with alanine, which is neutral and non-polar, at codon 474 of the SKI protein (p.Pro474Ala).

GeneDx
Classification: Uncertain significance. Last evaluated: 2016-12-06. Review status: criteria provided, single submitter. Criteria: GeneDx Variant Classification (06012015). Collection method: clinical testing. Allele origin: germline. Affected: yes.
Comment: A variant of uncertain significance has been identified in the SKI gene. The P474A variant has not been published as a pathogenic variant, nor has it been reported as a benign variant to our knowledge. The P474A variant was not observed in approximately 6,500 individuals of European and African American ancestry in the NHLBI Exome Sequencing Project, indicating it is not a common benign variant in these populations. The P474A variant is a semi-conservative amino acid substitution, which may impact secondary protein structure as these residues differ in some properties. However, this substitution occurs at a position that is not conserved across species and in silico analysis predicts this variant likely does not alter the protein structure/function.Therefore, based on the currently available information, it is unclear whether this variant is pathogenic or rare benign.

NM_003036.4(SKI):c.1420C>G (p.Pro474Ala)

Gene: SKI (SKI proto-oncogene; plus strand). Cytogenetic location: 1p36.32.
Variant type: single nucleotide variant.
Coding change: c.1420C>G on transcript NM_003036.4 (MANE Select); coding-DNA position 1420, C replaced by G.
Protein change: p.Pro474Ala; replaces proline 474 with alanine.
Molecular consequence: missense variant.
Genome position (GRCh38, 1-based): chr1:2,304,048, C>G. VCF-style: chr1-2304048-C-G. GRCh37 (hg19) VCF-style: chr1-2235487-C-G.
Other names: short protein forms P474A.
Identifiers: ClinVar variation 373583 (VCV000373583.4), dbSNP rs1057518494, ClinGen allele CA16042313.
Genomic context (GRCh38, chr1:2,304,048, plus strand): 5'-AAGCGGAAGCTGACTGTGGACACCCCAGGAGCCCCAGAGACGCTGGCGCCCGTGGCTGCC[C>G]CAGAGGAGGACAAGGACTCGGAGGCGGAGGTGGAAGTTGAAAGCAGGGAGGAATGTACGT-3'
Protein context (NP_003027.1, residues 464-484): APETLAPVAA[Pro474Ala]EEDKDSEAEV